The following is an entry in ClinVar:

NM_006514.4(SCN10A):c.43C>G (p.Arg15Gly)

Gene: SCN10A (sodium voltage-gated channel alpha subunit 10; minus strand). Cytogenetic location: 3p22.2.
Variant type: single nucleotide variant.
Coding change: c.43C>G on transcript NM_006514.4 (MANE Select); coding-DNA position 43, C replaced by G.
Protein change: p.Arg15Gly; replaces arginine 15 with glycine.
Molecular consequence: missense variant.
Genome position (GRCh38, 1-based): chr3:38,793,968, G>C on the plus strand (C>G on the coding strand, the complement: SCN10A is on the minus strand). VCF-style: chr3-38793968-G-C. GRCh37 (hg19) VCF-style: chr3-38835459-G-C.
Other names: c.43C>G, p.Arg15Gly (NM_001293306.2, NM_001293307.2); short protein forms R15G.
Identifiers: ClinVar variation 1350144 (VCV001350144.11), dbSNP rs754392803, ClinGen allele CA2321314.

ClinVar aggregate classification (germline): Uncertain significance. Review status: criteria provided, multiple submitters, no conflicts (2 of 4 stars). 2 submissions from 2 submitters: Uncertain significance (2). Last evaluated 2025-04-23.

Conditions:
Cardiovascular phenotype. Identifiers: MedGen CN230736.
Brugada syndrome. Also called: Sudden Unexplained Death Syndrome; Sudden Unexplained Nocturnal Death Syndrome (SUNDS); Sudden unexpected nocturnal death syndrome; Sudden unexplained nocturnal death syndrome. Identifiers: Orphanet 130, MedGen C1142166, MONDO:0015263.

Allele frequency attached by ClinVar (database versions not stated): ExAC 0.00001; gnomAD 0.00001; gnomAD exomes 0.00001.
gnomAD v4.1: 51 of 1,613,772 alleles (0.0032%); highest among the groups gnomAD compares: Non-Finnish European, 0.0042%; no homozygotes.

Submissions (2):

Labcorp Genetics (formerly Invitae), Labcorp
Classification: Uncertain significance for Brugada syndrome. Last evaluated: 2025-04-23. Review status: criteria provided, single submitter. Criteria: Invitae Variant Classification Sherloc (09022015). Collection method: clinical testing. Allele origin: germline.
Comment: This sequence change replaces arginine, which is basic and polar, with glycine, which is neutral and non-polar, at codon 15 of the SCN10A protein (p.Arg15Gly). This variant is present in population databases (rs754392803, gnomAD 0.003%). This variant has not been reported in the literature in individuals affected with SCN10A-related conditions. ClinVar contains an entry for this variant (Variation ID: 1350144). Invitae Evidence Modeling of protein sequence and biophysical properties (such as structural, functional, and spatial information, amino acid conservation, physicochemical variation, residue mobility, and thermodynamic stability) indicates that this missense variant is expected to disrupt SCN10A protein function with a positive predictive value of 80%. In summary, the available evidence is currently insufficient to determine the role of this variant in disease. Therefore, it has been classified as a Variant of Uncertain Significance.

Ambry Genetics
Classification: Uncertain significance for Cardiovascular phenotype. Last evaluated: 2025-01-27. Review status: criteria provided, single submitter. Criteria: Ambry Variant Classification Scheme 2023. Collection method: clinical testing. Allele origin: germline.
Comment: The p.R15G variant (also known as c.43C>G), located in coding exon 1 of the SCN10A gene, results from a C to G substitution at nucleotide position 43. The arginine at codon 15 is replaced by glycine, an amino acid with dissimilar properties. This amino acid position is conserved. In addition, the in silico prediction for this alteration is inconclusive. Since supporting evidence is limited at this time, the clinical significance of this alteration remains unclear.